The following is an entry in ClinVar:

ClinVar aggregate classification (germline): Uncertain significance (0 of 4 stars; one submission).

Conditions:
ADCY3-related disorder. Also called: ADCY3-related condition.

gnomAD v4.1: 55 of 1,614,054 alleles (0.0034%); highest among the groups gnomAD compares: African/African-American, 0.028%; no homozygotes.

Submission:

PreventionGenetics, part of Exact Sciences
Classification: Uncertain significance for ADCY3-related condition. Last evaluated: 2024-03-06. Review status: no assertion criteria provided. Collection method: clinical testing. Allele origin: germline.
Comment: The ADCY3 c.2099G>A variant is predicted to result in the amino acid substitution p.Arg700Gln. To our knowledge, this variant has not been reported in the literature. This variant is reported in 0.036% of alleles in individuals of African descent in gnomAD. At this time, the clinical significance of this variant is uncertain due to the absence of conclusive functional and genetic evidence.

NM_004036.5(ADCY3):c.2099G>A (p.Arg700Gln)

Gene: ADCY3 (adenylate cyclase 3; minus strand). Cytogenetic location: 2p23.3.
Variant type: single nucleotide variant.
Coding change: c.2099G>A on transcript NM_004036.5 (MANE Select); coding-DNA position 2099, G replaced by A.
Protein change: p.Arg700Gln; replaces arginine 700 with glutamine.
Molecular consequence: missense variant.
Genome position (GRCh38, 1-based): chr2:24,830,782, C>T on the plus strand (G>A on the coding strand, the complement: ADCY3 is on the minus strand). VCF-style: chr2-24830782-C-T. GRCh37 (hg19) VCF-style: chr2-25053651-C-T.
Other names: c.2099G>A, p.Arg700Gln (NM_001320613.2, NM_001377129.1, NM_001377130.1 and 1 more transcripts); c.2165G>A, p.Arg722Gln (NM_001377128.1); c.1376G>A, p.Arg459Gln (NM_001377131.1); short protein forms R459Q, R700Q, R722Q.
Identifiers: ClinVar variation 3350388 (VCV003350388.1).